The following is an entry in ClinVar:

NM_014254.3(RXYLT1):c.658G>A (p.Gly220Ser)

Gene: RXYLT1 (ribitol xylosyltransferase 1; plus strand). Cytogenetic location: 12q14.2.
Variant type: single nucleotide variant.
Coding change: c.658G>A on transcript NM_014254.3 (MANE Select); coding-DNA position 658, G replaced by A.
Protein change: p.Gly220Ser; replaces glycine 220 with serine.
Molecular consequence: missense variant. On other transcripts: 5 prime UTR variant (1).
Genome position (GRCh38, 1-based): chr12:63,802,320, G>A. VCF-style: chr12-63802320-G-A. GRCh37 (hg19) VCF-style: chr12-64196100-G-A.
Other names: c.-123G>A (NM_001278237.2); short protein forms G220S.
Identifiers: ClinVar variation 2002670 (VCV002002670.4), dbSNP rs2500520107, ClinGen allele CA385658122.

ClinVar aggregate classification (germline): Uncertain significance (1 of 4 stars; one submission).

Submission:

Labcorp Genetics (formerly Invitae), Labcorp
Classification: Uncertain significance. Last evaluated: 2025-06-09. Review status: criteria provided, single submitter. Criteria: Invitae Variant Classification Sherloc (09022015). Collection method: clinical testing. Allele origin: germline.
Comment: This sequence change replaces glycine, which is neutral and non-polar, with serine, which is neutral and polar, at codon 220 of the RXYLT1 protein (p.Gly220Ser). This variant is not present in population databases (gnomAD no frequency). This variant has not been reported in the literature in individuals affected with RXYLT1-related conditions. ClinVar contains an entry for this variant (Variation ID: 2002670). Invitae Evidence Modeling of protein sequence and biophysical properties (such as structural, functional, and spatial information, amino acid conservation, physicochemical variation, residue mobility, and thermodynamic stability) indicates that this missense variant is expected to disrupt RXYLT1 protein function with a positive predictive value of 80%. In summary, the available evidence is currently insufficient to determine the role of this variant in disease. Therefore, it has been classified as a Variant of Uncertain Significance.